The following is an entry in ClinVar:

NM_001163435.3(TBCK):c.2671C>T (p.Pro891Ser)

Gene: TBCK (TBC1 domain containing kinase; minus strand). Cytogenetic location: 4q24.
Variant type: single nucleotide variant.
Coding change: c.2671C>T on transcript NM_001163435.3 (MANE Select); coding-DNA position 2671, C replaced by T.
Protein change: p.Pro891Ser; replaces proline 891 with serine.
Molecular consequence: missense variant.
Genome position (GRCh38, 1-based): chr4:106,046,581, G>A on the plus strand (C>T on the coding strand, the complement: TBCK is on the minus strand). VCF-style: chr4-106046581-G-A. GRCh37 (hg19) VCF-style: chr4-106967738-G-A.
Other names: c.2671C>T (NM_001163435.1); c.2671C>T, p.Pro891Ser (NM_001163436.4); c.2554C>T, p.Pro852Ser (NM_001163437.3); c.2155C>T, p.Pro719Ser (NM_001290768.2); c.2482C>T, p.Pro828Ser (NM_033115.5); short protein forms P719S, P852S, P891S, P828S.
Identifiers: ClinVar variation 1401765 (VCV001401765.9), dbSNP rs1294090101, ClinGen allele CA357971231.

ClinVar aggregate classification (germline): Uncertain significance. Review status: criteria provided, multiple submitters, no conflicts (2 of 4 stars). 2 submissions from 2 submitters: Uncertain significance (2). Last evaluated 2024-12-10.

Conditions:
Inborn genetic diseases. Identifiers: MedGen C0950123, MeSH D030342.

Allele frequency attached by ClinVar (database versions not stated): gnomAD exomes below 0.00001; TOPMed below 0.00001; gnomAD 0.00001.
gnomAD v4.1: 2 of 1,592,504 alleles (0.00013%); highest among the groups gnomAD compares: Non-Finnish European, 0.00017%; no homozygotes.

Submissions (2):

Ambry Genetics
Classification: Uncertain significance for Inborn genetic diseases. Last evaluated: 2024-12-10. Review status: criteria provided, single submitter. Criteria: Ambry Variant Classification Scheme 2023. Collection method: clinical testing. Allele origin: germline.

Labcorp Genetics (formerly Invitae), Labcorp
Classification: Uncertain significance. Last evaluated: 2021-07-22. Review status: criteria provided, single submitter. Criteria: Invitae Variant Classification Sherloc (09022015). Collection method: clinical testing. Allele origin: germline.
Comment: Algorithms developed to predict the effect of missense changes on protein structure and function are either unavailable or do not agree on the potential impact of this missense change (SIFT: "Tolerated"; PolyPhen-2: "Possibly Damaging"; Align-GVGD: "Class C0"). This variant has not been reported in the literature in individuals affected with TBCK-related conditions. This variant is not present in population databases (ExAC no frequency). This sequence change replaces proline with serine at codon 891 of the TBCK protein (p.Pro891Ser). The proline residue is moderately conserved and there is a moderate physicochemical difference between proline and serine. In summary, the available evidence is currently insufficient to determine the role of this variant in disease. Therefore, it has been classified as a Variant of Uncertain Significance.